The following is an entry in ClinVar:

NM_001042492.3(NF1):c.1721+2T>G

Gene: NF1 (neurofibromin 1; plus strand). Cytogenetic location: 17q11.2.
Variant type: single nucleotide variant.
Coding change: c.1721+2T>G on transcript NM_001042492.3 (MANE Select); the canonical splice donor site of the intron after coding-DNA position 1721, T replaced by G.
Molecular consequence: splice donor variant. On other transcripts: missense variant (1).
Genome position (GRCh38, 1-based): chr17:31,221,931, T>G. VCF-style: chr17-31221931-T-G. GRCh37 (hg19) VCF-style: chr17-29548949-T-G.
Other names: c.1723T>G, p.Tyr575Asp (NM_001128147.3); c.1721+2T>G (NM_000267.4); short protein forms Y575D.
Identifiers: ClinVar variation 575447 (VCV000575447.6), dbSNP rs1567845116, ClinGen allele CA399002396.
Genomic context (GRCh38, chr17:31,221,931, plus strand): 5'-TTAGATAGCATTGATTTGTGGAATCCTGATGCTCCTGTAGAAACATTTTGGGAGATTAGG[T>G]ATATGTACTTTTATTTTTTAAATTCAACTTTTAAATTTTATTTTGTATTTTTGTCTTGAA-3'

ClinVar aggregate classification (germline): Pathogenic (1 of 4 stars; one submission).

Conditions:
Neurofibromatosis, type 1 (NF1). Also called: Peripheral type neurofibromatosis; Neurofibromatosis, type I; VON RECKLINGHAUSEN DISEASE; NEUROFIBROMATOSIS, TYPE I, SOMATIC. Identifiers: Orphanet 636, MedGen C0027831, MONDO:0018975, OMIM 162200. Disease mechanism: loss of function.

Submission:

Labcorp Genetics (formerly Invitae), Labcorp
Classification: Pathogenic for Neurofibromatosis, type 1. Last evaluated: 2025-10-28. Review status: criteria provided, single submitter. Criteria: Invitae Variant Classification Sherloc (09022015). Collection method: clinical testing. Allele origin: germline.
Comment: This sequence change affects a donor splice site in intron 15 of the NF1 gene. RNA analysis indicates that disruption of this splice site induces altered splicing and may result in an absent or altered protein product. This variant is not present in population databases (gnomAD no frequency). Disruption of this splice site has been observed in individual(s) with clinical features of neurofibromatosis type 1 (PMID: 12552569, 23913538). ClinVar contains an entry for this variant (Variation ID: 575447). Studies have shown that disruption of this splice site results in skipping of exon 15, also known as exon 11, and produces a non-functional protein and/or introduces a premature termination codon (PMID: 18546366). For these reasons, this variant has been classified as Pathogenic.

Literature cited by the submitters: PubMed 12552569; PubMed 23913538; PubMed 18546366.